The following is an entry in ClinVar:

ClinVar aggregate classification (germline): Conflicting classifications of pathogenicity. Review status: criteria provided, conflicting classifications (1 of 4 stars). 3 submissions from 3 submitters: Uncertain significance (2); Likely benign (1). Last evaluated 2025-07-21.

Conditions:
Gastrointestinal stromal tumor. Also called: Gastrointestinal stromal tumor, somatic; Gastrointestinal stroma tumor. Identifiers: Orphanet 44890, MedGen C0238198, MeSH D046152, MONDO:0011719, OMIM 606764, HP:0100723.
Hereditary cancer-predisposing syndrome. Also called: Neoplastic Syndromes, Hereditary; Hereditary neoplastic syndrome; Tumor predisposition; Hereditary Cancer Syndrome. Identifiers: Orphanet 140162, MedGen C0027672, MeSH D009386, MONDO:0015356.

Submissions (3):

Labcorp Genetics (formerly Invitae), Labcorp
Classification: Uncertain significance for Gastrointestinal stromal tumor. Last evaluated: 2025-07-21. Review status: criteria provided, single submitter. Criteria: Invitae Variant Classification Sherloc (09022015). Collection method: clinical testing. Allele origin: germline.
Comment: This sequence change replaces asparagine, which is neutral and polar, with aspartic acid, which is acidic and polar, at codon 512 of the KIT protein (p.Asn512Asp). This variant is not present in population databases (gnomAD no frequency). This variant has not been reported in the literature in individuals affected with KIT-related conditions. ClinVar contains an entry for this variant (Variation ID: 2676212). An algorithm developed to predict the effect of missense changes on protein structure and function (PolyPhen-2) suggests that this variant is likely to be tolerated. In summary, the available evidence is currently insufficient to determine the role of this variant in disease. Therefore, it has been classified as a Variant of Uncertain Significance.

Ambry Genetics
Classification: Likely benign for Hereditary cancer-predisposing syndrome. Last evaluated: 2024-09-14. Review status: criteria provided, single submitter. Criteria: Ambry Variant Classification Scheme 2023. Collection method: clinical testing. Allele origin: germline.

Baylor Genetics
Classification: Uncertain significance for Gastrointestinal stromal tumor. Last evaluated: 2023-10-30. Review status: criteria provided, single submitter. Criteria: ACMG Guidelines, 2015. Collection method: clinical testing. Allele origin: unknown.

NM_000222.3(KIT):c.1534A>G (p.Asn512Asp)

Gene: KIT (KIT proto-oncogene, receptor tyrosine kinase; plus strand). Cytogenetic location: 4q12.
Variant type: single nucleotide variant.
Coding change: c.1534A>G on transcript NM_000222.3 (MANE Select); coding-DNA position 1534, A replaced by G.
Protein change: p.Asn512Asp; replaces asparagine 512 with aspartic acid.
Molecular consequence: missense variant. On other transcripts: intron variant (4).
Genome position (GRCh38, 1-based): chr4:54,726,044, A>G. VCF-style: chr4-54726044-A-G. GRCh37 (hg19) VCF-style: chr4-55592210-A-G.
Other names: c.1537A>G, p.Asn513Asp (NM_001385284.1, NM_001385290.1); c.1534A>G, p.Asn512Asp (NM_001385285.1); c.1531+6A>G (NM_001385288.1, NM_001385292.1); c.1528+6A>G (NM_001093772.2, NM_001385286.1); short protein forms N512D, N513D.
Identifiers: ClinVar variation 2676212 (VCV002676212.3), dbSNP rs2475537679, ClinGen allele CA356906735.
Genomic context (GRCh38, chr4:54,726,044, plus strand): 5'-AAGGCTTACAACGATGTGGGCAAGACTTCTGCCTATTTTAACTTTGCATTTAAAGGTAAC[A>G]ACAAAGGTATATTTCTTTTTAATCCAATTTAAGGGGATGTTTAGGCTCTGTCTACCATAT-3'
Protein context (NP_000213.1, residues 502-522): AYFNFAFKGN[Asn512Asp]KEQIHPHTLF